The following is an entry in ClinVar:

ClinVar aggregate classification (germline): Likely pathogenic. Review status: criteria provided, multiple submitters, no conflicts (2 of 4 stars). 2 submissions from 2 submitters: Likely pathogenic (2). Last evaluated 2024-09-02.

Conditions:
Ataxia-telangiectasia syndrome (AT). Also called: Ataxia-telangiectasia, complementation group E; Ataxia telangiectasia (A-T); LOUIS-BAR SYNDROME; Cerebello-oculocutaneous telangiectasia; Immunodeficiency with ataxia telangiectasia; Ataxia-telangiectasia, complementation group D. Identifiers: Orphanet 100, MedGen C0004135, MONDO:0008840, OMIM 208900.
Hereditary cancer-predisposing syndrome. Also called: Tumor predisposition; Hereditary Cancer Syndrome; Hereditary neoplastic syndrome; Neoplastic Syndromes, Hereditary. Identifiers: Orphanet 140162, MedGen C0027672, MeSH D009386, MONDO:0015356.

Submissions (2):

Molecular Pathology, Peter Maccallum Cancer Centre
Classification: Likely pathogenic for Ataxia-telangiectasia syndrome. Last evaluated: 2024-09-02. Review status: criteria provided, single submitter. Criteria: ACMG Guidelines, 2015. Collection method: clinical testing. Allele origin: germline. Inheritance: Autosomal recessive inheritance.

Ambry Genetics
Classification: Likely pathogenic for Hereditary cancer-predisposing syndrome. Last evaluated: 2023-03-02. Review status: criteria provided, single submitter. Criteria: Ambry Variant Classification Scheme 2023. Collection method: clinical testing. Allele origin: germline.
Comment: The c.8419-1G>A intronic variant results from a G to A substitution one nucleotide before coding exon 57 of the ATM gene. This variant is considered to be rare based on population cohorts in the Genome Aggregation Database (gnomAD). This nucleotide position is highly conserved in available vertebrate species. In silico splice site analysis predicts that this alteration will weaken the native splice acceptor site and will result in the creation or strengthening of a novel splice acceptor site. RNA studies have demonstrated that this alteration results in abnormal splicing in the set of samples tested (Ambry internal data). Alterations that disrupt the canonical splice site are expected to cause aberrant splicing, resulting in an abnormal protein or a transcript that is subject to nonsense-mediated mRNA decay. As such, this alteration is classified as likely pathogenic.

NM_000051.4(ATM):c.8419-1G>A

Genes: ATM (ATM serine/threonine kinase; plus strand), C11orf65 (chromosome 11 open reading frame 65; minus strand). Cytogenetic location: 11q22.3.
Variant type: single nucleotide variant.
Coding change: c.8419-1G>A on transcript NM_000051.4 (MANE Select); the canonical splice acceptor site of the intron before coding-DNA position 8419, G replaced by A.
Molecular consequence: splice acceptor variant. On other transcripts: intron variant (2).
Genome position (GRCh38, 1-based): chr11:108,345,742, G>A. VCF-style: chr11-108345742-G-A. GRCh37 (hg19) VCF-style: chr11-108216469-G-A.
Other names: c.8419-1G>A (NM_001351834.2); c.641-36671C>T (NM_001330368.2); c.695-10450C>T (NM_001351110.2).
Identifiers: ClinVar variation 2453995 (VCV002453995.3), dbSNP rs1555137920, ClinGen allele CA382517702.